The following is an entry in ClinVar:

ClinVar aggregate classification (germline): Uncertain significance (1 of 4 stars; one submission).

Conditions:
Charcot-Marie-Tooth disease recessive intermediate C. Also called: CHARCOT-MARIE-TOOTH NEUROPATHY, RECESSIVE INTERMEDIATE C. Identifiers: Orphanet 369867, MedGen C3809309, MONDO:0014154, OMIM 615376.
Neuronopathy, distal hereditary motor, autosomal recessive 4. Also called: Autosomal recessive lower motor neuron disease with childhood onset; NEUROPATHY, DISTAL HEREDITARY MOTOR, AUTOSOMAL RECESSIVE 4. Identifiers: Orphanet 206580, MedGen C1970211, MONDO:0012608, OMIM 611067.

Allele frequency attached by ClinVar (database versions not stated): 1000 Genomes Project 30x 0.00016; 1000 Genomes Project 0.00020.

Submission:

Labcorp Genetics (formerly Invitae), Labcorp
Classification: Uncertain significance for Neuronopathy, distal hereditary motor, autosomal recessive 4; Charcot-Marie-Tooth disease recessive intermediate C. Last evaluated: 2021-08-26. Review status: criteria provided, single submitter. Criteria: Invitae Variant Classification Sherloc (09022015). Collection method: clinical testing. Allele origin: germline.
Comment: This sequence change replaces arginine with cysteine at codon 690 of the PLEKHG5 protein (p.Arg690Cys). The arginine residue is moderately conserved and there is a large physicochemical difference between arginine and cysteine. This variant is present in population databases (rs149089640, ExAC 0.01%). This variant has not been reported in the literature in individuals affected with PLEKHG5-related conditions. Algorithms developed to predict the effect of missense changes on protein structure and function (SIFT, PolyPhen-2, Align-GVGD) all suggest that this variant is likely to be tolerated. In summary, the available evidence is currently insufficient to determine the role of this variant in disease. Therefore, it has been classified as a Variant of Uncertain Significance.

NM_020631.6(PLEKHG5):c.2068C>T (p.Arg690Cys)

Gene: PLEKHG5 (pleckstrin homology and RhoGEF domain containing G5; minus strand). Cytogenetic location: 1p36.31.
Variant type: single nucleotide variant.
Coding change: c.2068C>T on transcript NM_020631.6 (MANE Select); coding-DNA position 2068, C replaced by T.
Protein change: p.Arg690Cys; replaces arginine 690 with cysteine.
Molecular consequence: missense variant.
Genome position (GRCh38, 1-based): chr1:6,469,223, G>A on the plus strand (C>T on the coding strand, the complement: PLEKHG5 is on the minus strand). VCF-style: chr1-6469223-G-A. GRCh37 (hg19) VCF-style: chr1-6529283-G-A.
Other names: c.2179C>T, p.Arg727Cys (NM_001042663.3, NM_001265592.2); c.2068C>T, p.Arg690Cys (NM_001042664.2, NM_001042665.2, NM_001265594.3 and 1 more transcripts); c.2275C>T, p.Arg759Cys (NM_001265593.2); short protein forms R759C, R690C, R727C.
Identifiers: ClinVar variation 847291 (VCV000847291.7), dbSNP rs149089640, ClinGen allele CA561261.